The following is an entry in ClinVar:

ClinVar aggregate classification (germline): Likely benign. Review status: criteria provided, multiple submitters, no conflicts (2 of 4 stars). 3 submissions from 3 submitters: Likely benign (3). Last evaluated 2025-10-09.

Conditions:
Hereditary sensory neuropathy-deafness-dementia syndrome. Also called: NEUROPATHY, HEREDITARY SENSORY, WITH HEARING LOSS AND DEMENTIA; Hereditary Sensory and Autonomic Neuropathy Type 1E (HSAN1E); HSN IE; Hereditary sensory neuropathy type IE. Identifiers: Orphanet 456318, MedGen C3279885, MONDO:0013584, OMIM 614116.

Allele frequency attached by ClinVar (database versions not stated): gnomAD 0.00001; TOPMed 0.00001; gnomAD exomes 0.00002; ExAC 0.00003.
gnomAD v4.1: 18 of 1,613,904 alleles (0.0011%); highest among the groups gnomAD compares: Non-Finnish European, 0.0014%; no homozygotes.

Submissions (3):

Labcorp Genetics (formerly Invitae), Labcorp
Classification: Likely benign for Hereditary sensory neuropathy-deafness-dementia syndrome. Last evaluated: 2025-10-09. Review status: criteria provided, single submitter. Criteria: Invitae Variant Classification Sherloc (09022015). Collection method: clinical testing. Allele origin: germline.

CeGaT Center for Human Genetics Tuebingen
Classification: Likely benign. Last evaluated: 2022-07-01. Review status: criteria provided, single submitter. Criteria: CeGaT Center For Human Genetics Tuebingen Variant Classification Criteria Version 2. Collection method: clinical testing. Allele origin: germline. Affected: yes. Observed: 1 variant allele.
Comment: DNMT1: BP4

Blueprint Genetics
Classification: Likely benign. Last evaluated: 2019-09-06. Review status: criteria provided, single submitter. Criteria: ACMG Guidelines, 2015. Collection method: clinical testing. Allele origin: germline.

NM_001130823.3(DNMT1):c.2019+8C>A

Gene: DNMT1 (DNA methyltransferase 1; minus strand). Cytogenetic location: 19p13.2.
Variant type: single nucleotide variant.
Coding change: c.2019+8C>A on transcript NM_001130823.3 (MANE Select); 8 bases into the intron after coding-DNA position 2019, C replaced by A.
Molecular consequence: intron variant.
Genome position (GRCh38, 1-based): chr19:10,154,285, G>T on the plus strand (C>A on the coding strand, the complement: DNMT1 is on the minus strand). VCF-style: chr19-10154285-G-T. GRCh37 (hg19) VCF-style: chr19-10264961-G-T.
Other names: c.1656+8C>A (NM_001318731.2); c.1971+8C>A (NM_001379.4, NM_001318730.2).
Identifiers: ClinVar variation 1701350 (VCV001701350.35), dbSNP rs767465634, ClinGen allele CA9188152.